The following is an entry in ClinVar:

NM_139076.3(ABRAXAS1):c.1049A>G (p.Asp350Gly)

Gene: ABRAXAS1 (abraxas 1, BRCA1 A complex subunit; minus strand). Cytogenetic location: 4q21.23.
Variant type: single nucleotide variant.
Coding change: c.1049A>G on transcript NM_139076.3 (MANE Select); coding-DNA position 1049, A replaced by G.
Protein change: p.Asp350Gly; replaces aspartic acid 350 with glycine.
Molecular consequence: missense variant.
Genome position (GRCh38, 1-based): chr4:83,462,650, T>C on the plus strand (A>G on the coding strand, the complement: ABRAXAS1 is on the minus strand). VCF-style: chr4-83462650-T-C. GRCh37 (hg19) VCF-style: chr4-84383803-T-C.
Other names: c.722A>G, p.Asp241Gly (NM_001345962.2); short protein forms D241G, D350G.
Identifiers: ClinVar variation 3334949 (VCV003334949.1).
Genomic context (GRCh38, chr4:83,462,650, plus strand): 5'-GATCGTTTGTCTTGTGTATCTAACAACCGAGATCTCTTGAATTGCCATCTGTCATCTAAG[T>C]CTAAGGCTTTATGCTTAATGATTTGTGGTGTACTAGCTGGACTAGCTTCAGGAATGTCAG-3'
Protein context (NP_620775.2, residues 340-360): TPQIIKHKAL[Asp350Gly]LDDRWQFKRS

ClinVar aggregate classification (germline): Uncertain significance (1 of 4 stars; one submission).

Submission:

Ambry Genetics
Classification: Uncertain significance. Last evaluated: 2024-06-08. Review status: criteria provided, single submitter. Criteria: Ambry Variant Classification Scheme 2023. Collection method: clinical testing. Allele origin: germline.
Comment: The p.D350G variant (also known as c.1049A>G), located in coding exon 9 of the FAM175A gene, results from an A to G substitution at nucleotide position 1049. The aspartic acid at codon 350 is replaced by glycine, an amino acid with similar properties. This amino acid position is conserved. In addition, this alteration is predicted to be tolerated by in silico analysis. Based on the available evidence, the clinical significance of this variant remains unclear.